The following is an entry in ClinVar:

ClinVar aggregate classification (germline): Conflicting classifications of pathogenicity. Review status: criteria provided, conflicting classifications (1 of 4 stars). 2 submissions from 2 submitters: Uncertain significance (1); Likely benign (1). Last evaluated 2024-09-24.

Allele frequency attached by ClinVar (database versions not stated): gnomAD 0.00001; ExAC 0.00002; gnomAD exomes 0.00002 and 0.00004; TOPMed 0.00003.
gnomAD v4.1: 27 of 1,612,236 alleles (0.0017%); highest among the groups gnomAD compares: Admixed American, 0.015%; no homozygotes.

Submissions (2):

Women's Health and Genetics/Laboratory Corporation of America, LabCorp
Classification: Uncertain significance. Last evaluated: 2024-09-24. Review status: criteria provided, single submitter. Criteria: LabCorp Variant Classification Summary - May 2015. Collection method: clinical testing. Allele origin: germline.
Comment: Variant summary: TTN c.76696C>T (p.Arg25566Cys) results in a non-conservative amino acid change located in the A-band region of the encoded protein sequence. Four of four in-silico tools predict a damaging effect of the variant on protein function. The variant allele was found at a frequency of 4e-05 in 247636 control chromosomes. This frequency is not significantly higher than estimated for a pathogenic variant in TTN causing Limb-Girdle Muscular Dystrophy, Type 2J, allowing no conclusion about variant significance. To our knowledge, no occurrence of c.76696C>T in individuals affected with Limb-Girdle Muscular Dystrophy, Type 2J and no experimental evidence demonstrating its impact on protein function have been reported. ClinVar contains an entry for this variant (Variation ID: 668576). Based on the evidence outlined above, the variant was classified as uncertain significance.

GeneDx
Classification: Likely benign. Last evaluated: 2018-05-10. Review status: criteria provided, single submitter. Criteria: GeneDx Variant Classification (06012015). Collection method: clinical testing. Allele origin: germline. Affected: yes.
Comment: This variant is considered likely benign or benign based on one or more of the following criteria: it is a conservative change, it occurs at a poorly conserved position in the protein, it is predicted to be benign by multiple in silico algorithms, and/or has population frequency not consistent with disease.

NM_001267550.2(TTN):c.84400C>T (p.Arg28134Cys)

Genes: TTN (titin; minus strand), TTN-AS1 (TTN antisense RNA 1; plus strand). Cytogenetic location: 2q31.2.
Variant type: single nucleotide variant.
Coding change: c.84400C>T on transcript NM_001267550.2 (MANE Select); coding-DNA position 84400, C replaced by T.
Protein change: p.Arg28134Cys; replaces arginine 28134 with cysteine.
Molecular consequence: missense variant.
Genome position (GRCh38, 1-based): chr2:178,561,732, G>A on the plus strand (C>T on the coding strand, the complement: TTN is on the minus strand). VCF-style: chr2-178561732-G-A. GRCh37 (hg19) VCF-style: chr2-179426459-G-A.
Other names: c.79477C>T, p.Arg26493Cys (NM_001256850.1); c.57205C>T, p.Arg19069Cys (NM_003319.4); c.76696C>T, p.Arg25566Cys (NM_133378.4); c.57580C>T, p.Arg19194Cys (NM_133432.3); c.57781C>T, p.Arg19261Cys (NM_133437.4); short protein forms R28134C, R19069C, R19194C, R25566C, R26493C, R19261C.
Identifiers: ClinVar variation 668576 (VCV000668576.2), dbSNP rs771002170, ClinGen allele CA1988782.